The following is an entry in ClinVar:

ClinVar aggregate classification (germline): Benign. Review status: criteria provided, multiple submitters, no conflicts (2 of 4 stars). 3 submissions from 3 submitters: Benign (2). 1 of the submissions does not count toward it. Last evaluated 2025-11-10.

Conditions:
PKD2-related disorder. Also called: PKD2-related condition.
Autosomal dominant polycystic kidney disease. Identifiers: Orphanet 730, MedGen C0085413, MONDO:0004691.

Allele frequency attached by ClinVar (database versions not stated): TOPMed below 0.00001; 1000 Genomes Project 30x 0.00016; gnomAD exomes 0.00017; ExAC 0.00018; 1000 Genomes Project 0.00020.
gnomAD v4.1: 133 of 1,613,396 alleles (0.0082%); highest among the groups gnomAD compares: South Asian, 0.13%; 5 homozygotes.

Submissions (3):

Labcorp Genetics (formerly Invitae), Labcorp
Classification: Benign for Autosomal dominant polycystic kidney disease. Last evaluated: 2025-11-10. Review status: criteria provided, single submitter. Criteria: Invitae Variant Classification Sherloc (09022015). Collection method: clinical testing. Allele origin: germline.

Athena Diagnostics
Classification: Benign. Last evaluated: 2017-03-31. Review status: criteria provided, single submitter. Criteria: Athena Diagnostics Criteria. Collection method: clinical testing. Allele origin: germline.

PreventionGenetics, part of Exact Sciences
Classification: Likely benign for PKD2-related condition. Last evaluated: 2023-11-29. Review status: no assertion criteria provided. Collection method: clinical testing. Allele origin: germline. Not counted in ClinVar's aggregate classification.
Comment: This variant is classified as likely benign based on ACMG/AMP sequence variant interpretation guidelines (Richards et al. 2015 PMID: 25741868, with internal and published modifications).

NM_000297.4(PKD2):c.2286C>T (p.Tyr762=)

Gene: PKD2 (polycystin 2, transient receptor potential cation channel; plus strand). Cytogenetic location: 4q22.1.
Variant type: single nucleotide variant.
Coding change: c.2286C>T on transcript NM_000297.4 (MANE Select); coding-DNA position 2286, C replaced by T.
Protein change: p.Tyr762=; no amino-acid change (tyrosine 762 retained).
Molecular consequence: synonymous variant. On other transcripts: non-coding transcript variant (1).
Genome position (GRCh38, 1-based): chr4:88,065,807, C>T. VCF-style: chr4-88065807-C-T. GRCh37 (hg19) VCF-style: chr4-88986959-C-T.
Other names: c.2286C>T (NM_000297.3).
Identifiers: ClinVar variation 448035 (VCV000448035.6), dbSNP rs555242193, ClinGen allele CA3004194.
Genomic context (GRCh38, chr4:88,065,807, plus strand): 5'-TCTCTCTAATTTCAGGAAGGGCCATACTGATGCAGAGATTGAGGCAATATTCACAAAGTA[C>T]GACCAAGATGGAGACCAAGAACTGACCGAACATGAACATCAGCAGATGAGAGACGACTTG-3'
Protein context (NP_000288.1, residues 752-772): DAEIEAIFTK[Tyr762=]DQDGDQELTE